The following is an entry in ClinVar:

NM_003628.6(PKP4):c.460G>T (p.Asp154Tyr)

Gene: PKP4 (plakophilin 4; plus strand). Cytogenetic location: 2q24.1.
Variant type: single nucleotide variant.
Coding change: c.460G>T on transcript NM_003628.6 (MANE Select); coding-DNA position 460, G replaced by T.
Protein change: p.Asp154Tyr; replaces aspartic acid 154 with tyrosine.
Molecular consequence: missense variant. On other transcripts: 5 prime UTR variant (1).
Genome position (GRCh38, 1-based): chr2:158,621,278, G>T. VCF-style: chr2-158621278-G-T. GRCh37 (hg19) VCF-style: chr2-159477790-G-T.
Other names: c.460G>T, p.Asp154Tyr (NM_001005476.4, NM_001304969.3, NM_001304971.2 and 6 more transcripts); c.-490G>T (NM_001304970.3); c.454G>T, p.Asp152Tyr (NM_001377222.1, NM_001377223.1, NM_001377224.1); short protein forms D152Y, D154Y.
Identifiers: ClinVar variation 3933362 (VCV003933362.1).

ClinVar aggregate classification (germline): Uncertain significance (1 of 4 stars; one submission).

Submission:

Ambry Genetics
Classification: Uncertain significance. Last evaluated: 2025-04-14. Review status: criteria provided, single submitter. Criteria: Ambry Variant Classification Scheme 2023. Collection method: clinical testing. Allele origin: germline.
Comment: The p.D154Y variant (also known as c.460G>T), located in coding exon 5 of the PKP4 gene, results from a G to T substitution at nucleotide position 460. The aspartic acid at codon 154 is replaced by tyrosine, an amino acid with highly dissimilar properties. This amino acid position is conserved. In addition, this alteration is predicted to be deleterious by in silico analysis. Based on the available evidence, the clinical significance of this variant remains unclear.